The following is an entry in ClinVar:

ClinVar aggregate classification (germline): Conflicting classifications of pathogenicity. Review status: criteria provided, conflicting classifications (1 of 4 stars). 2 submissions from 2 submitters: Uncertain significance (1); Likely benign (1). Last evaluated 2026-02-19.

Conditions:
Rubinstein-Taybi syndrome due to EP300 haploinsufficiency. Also called: EP300-Related Rubinstein-Taybi Syndrome; RUBINSTEIN-TAYBI SYNDROME 2. Identifiers: Orphanet 353284, Orphanet 783, MedGen C3150941, MONDO:0013364, OMIM 613684.
EP300-related disorder. Also called: EP300-related disorders; EP300-related condition.

Allele frequency attached by ClinVar (database versions not stated): gnomAD exomes below 0.00001.
gnomAD v4.1: 1 of 1,614,118 alleles (0.000062%); highest among the groups gnomAD compares: Admixed American, 0.0017%; no homozygotes.

Submissions (2):

PreventionGenetics, part of Exact Sciences
Classification: Uncertain significance for EP300-related condition. Last evaluated: 2026-02-19. Review status: criteria provided, single submitter. Criteria: ACMG Guidelines, 2015. Collection method: clinical testing. Allele origin: germline.
Comment: The EP300 c.1334T>A variant is predicted to result in the amino acid substitution p.Val445Glu. To our knowledge, this variant has not been reported in the literature. This variant is reported in 0.0029% of alleles in individuals of Latino descent in gnomAD. At this time, the clinical significance of this variant is uncertain due to the absence of conclusive functional and genetic evidence.

Labcorp Genetics (formerly Invitae), Labcorp
Classification: Likely benign for Rubinstein-Taybi syndrome due to EP300 haploinsufficiency. Last evaluated: 2023-09-09. Review status: criteria provided, single submitter. Criteria: Invitae Variant Classification Sherloc (09022015). Collection method: clinical testing. Allele origin: germline.

NM_001429.4(EP300):c.1334T>A (p.Val445Glu)

Gene: EP300 (EP300 lysine acetyltransferase; plus strand). Cytogenetic location: 22q13.2.
Variant type: single nucleotide variant.
Coding change: c.1334T>A on transcript NM_001429.4 (MANE Select); coding-DNA position 1334, T replaced by A.
Protein change: p.Val445Glu; replaces valine 445 with glutamic acid.
Molecular consequence: missense variant.
Genome position (GRCh38, 1-based): chr22:41,131,439, T>A. VCF-style: chr22-41131439-T-A. GRCh37 (hg19) VCF-style: chr22-41527443-T-A.
Other names: c.1334T>A, p.Val445Glu (NM_001362843.2); short protein forms V445E.
Identifiers: ClinVar variation 2629951 (VCV002629951.5), dbSNP rs1407415699, ClinGen allele CA411685570.